The following is an entry in ClinVar:

NM_014780.5(CUL7):c.1319T>G (p.Met440Arg)

Gene: CUL7 (cullin 7; minus strand). Cytogenetic location: 6p21.1.
Variant type: single nucleotide variant.
Coding change: c.1319T>G on transcript NM_014780.5 (MANE Select); coding-DNA position 1319, T replaced by G.
Protein change: p.Met440Arg; replaces methionine 440 with arginine.
Molecular consequence: missense variant.
Genome position (GRCh38, 1-based): chr6:43,050,313, A>C on the plus strand (T>G on the coding strand, the complement: CUL7 is on the minus strand). VCF-style: chr6-43050313-A-C. GRCh37 (hg19) VCF-style: chr6-43018051-A-C.
Other names: c.1415T>G, p.Met472Arg (NM_001168370.2, NM_001374872.1); c.1319T>G, p.Met440Arg (NM_001374873.1, NM_001374874.1); short protein forms M472R, M440R.
Identifiers: ClinVar variation 2049529 (VCV002049529.4), dbSNP rs2532717586, ClinGen allele CA364224045.

ClinVar aggregate classification (germline): Uncertain significance (1 of 4 stars; one submission).

Submission:

Labcorp Genetics (formerly Invitae), Labcorp
Classification: Uncertain significance. Last evaluated: 2024-01-15. Review status: criteria provided, single submitter. Criteria: Invitae Variant Classification Sherloc (09022015). Collection method: clinical testing. Allele origin: germline.
Comment: This sequence change replaces methionine, which is neutral and non-polar, with arginine, which is basic and polar, at codon 440 of the CUL7 protein (p.Met440Arg). This variant is not present in population databases (gnomAD no frequency). This variant has not been reported in the literature in individuals affected with CUL7-related conditions. ClinVar contains an entry for this variant (Variation ID: 2049529). An algorithm developed to predict the effect of missense changes on protein structure and function (PolyPhen-2) suggests that this variant is likely to be tolerated. Algorithms developed to predict the effect of sequence changes on RNA splicing suggest that this variant may disrupt the consensus splice site. In summary, the available evidence is currently insufficient to determine the role of this variant in disease. Therefore, it has been classified as a Variant of Uncertain Significance.